The following is an entry in ClinVar:

NM_145054.5(CFAP52):c.199G>A (p.Val67Ile)

Gene: CFAP52 (cilia and flagella associated protein 52; plus strand). Cytogenetic location: 17p13.1.
Variant type: single nucleotide variant.
Coding change: c.199G>A on transcript NM_145054.5 (MANE Select); coding-DNA position 199, G replaced by A.
Protein change: p.Val67Ile; replaces valine 67 with isoleucine.
Molecular consequence: missense variant. On other transcripts: intron variant (1).
Genome position (GRCh38, 1-based): chr17:9,585,901, G>A. VCF-style: chr17-9585901-G-A. GRCh37 (hg19) VCF-style: chr17-9489218-G-A.
Other names: c.71-801G>A (NM_001080556.2); short protein forms V67I.
Identifiers: ClinVar variation 544338 (VCV000544338.10), dbSNP rs201479202, ClinGen allele CA8381780.

ClinVar aggregate classification (germline): Uncertain significance. Review status: criteria provided, multiple submitters, no conflicts (2 of 4 stars). 2 submissions from 2 submitters: Uncertain significance (2). Last evaluated 2025-08-12.

Conditions:
Situs inversus. Also called: Situs inversus totalis. Identifiers: Orphanet 101063, MedGen C4551493, MONDO:0010029, HP:0001696.

Allele frequency attached by ClinVar (database versions not stated): gnomAD exomes 0.00002 and 0.00007; gnomAD 0.00006; TOPMed 0.00006; ExAC 0.00007; 1000 Genomes Project 30x 0.00016; 1000 Genomes Project 0.00020.
gnomAD v4.1: 38 of 1,613,748 alleles (0.0024%); highest among the groups gnomAD compares: East Asian, 0.029%; no homozygotes.

Submissions (2):

Ambry Genetics
Classification: Uncertain significance. Last evaluated: 2025-08-12. Review status: criteria provided, single submitter. Criteria: Ambry Variant Classification Scheme 2023. Collection method: clinical testing. Allele origin: germline.

Labcorp Genetics (formerly Invitae), Labcorp
Classification: Uncertain significance for Situs inversus. Last evaluated: 2017-11-08. Review status: criteria provided, single submitter. Criteria: Invitae Variant Classification Sherloc (09022015). Collection method: clinical testing. Allele origin: germline.
Comment: This sequence change replaces valine with isoleucine at codon 67 of the CFAP52 protein (p.Val67Ile). The valine residue is highly conserved and there is a small physicochemical difference between valine and isoleucine. This variant is present in population databases (rs201479202, ExAC 0.06%). This variant has not been reported in the literature in individuals with CFAP52-related disease. Algorithms developed to predict the effect of missense changes on protein structure and function do not agree on the potential impact of this missense change (SIFT: "Tolerated"; PolyPhen-2: "Possibly Damaging"; Align-GVGD: "Class C0"). In summary, the available evidence is currently insufficient to determine the role of this variant in disease. Therefore, it has been classified as a Variant of Uncertain Significance.